The following is an entry in ClinVar:

NM_025225.3(PNPLA3):c.659A>G (p.Tyr220Cys)

Gene: PNPLA3 (patatin like domain 3, 1-acylglycerol-3-phosphate O-acyltransferase; plus strand). Cytogenetic location: 22q13.31.
Variant type: single nucleotide variant.
Coding change: c.659A>G on transcript NM_025225.3 (MANE Select); coding-DNA position 659, A replaced by G.
Protein change: p.Tyr220Cys; replaces tyrosine 220 with cysteine.
Molecular consequence: missense variant.
Genome position (GRCh38, 1-based): chr22:43,933,050, A>G. VCF-style: chr22-43933050-A-G. GRCh37 (hg19) VCF-style: chr22-44328930-A-G.
Other names: short protein forms Y220C.
Identifiers: ClinVar variation 341936 (VCV000341936.6), dbSNP rs143392071, ClinGen allele CA10277998.
Genomic context (GRCh38, chr22:43,933,050, plus strand): 5'-CGAACTTTCTTCATGTGGACATCACCAAGCTCAGTCTACGCCTCTGCACAGGGAACCTCT[A>G]CCTTCTCTCGAGAGCTTTTGTCCCCCCGGATCTCAAGGTGAGTTGGTGGTGAGGGGGCAG-3'
Protein context (NP_079501.2, residues 210-230): LSLRLCTGNL[Tyr220Cys]LLSRAFVPPD

ClinVar aggregate classification (germline): Likely benign. Review status: criteria provided, multiple submitters, no conflicts (2 of 4 stars). 2 submissions from 2 submitters: Likely benign (2). Last evaluated 2018-01-13.

Conditions:
NAFLD1 (FLD1). Also called: FATTY LIVER DISEASE, SUSCEPTIBILITY TO, 1; Fatty liver disease, nonalcoholic 1. Identifiers: MedGen C2750440, MONDO:0021105, OMIM 613282.

Allele frequency attached by ClinVar (database versions not stated): gnomAD 0.00019 and 0.00038; gnomAD exomes 0.00024 and 0.00072; TOPMed 0.00031; ExAC 0.00068; 1000 Genomes Project 30x 0.00265; 1000 Genomes Project 0.00319.
gnomAD v4.1: 436 of 1,614,034 alleles (0.027%); highest among the groups gnomAD compares: East Asian, 0.83%; 5 homozygotes.

Submissions (2):

Illumina Laboratory Services, Illumina
Classification: Likely benign for NAFLD1. Last evaluated: 2018-01-13. Review status: criteria provided, single submitter. Criteria: ICSL Variant Classification Criteria 13 December 2019. Collection method: clinical testing. Allele origin: germline.
Comment: This variant was observed in the ICSL laboratory as part of a predisposition screen in an ostensibly healthy population. It had not been previously curated by ICSL or reported in the Human Gene Mutation Database (HGMD: prior to June 1st, 2018), and was therefore a candidate for classification through an automated scoring system. Utilizing variant allele frequency, disease prevalence and penetrance estimates, and inheritance mode, an automated score was calculated to assess if this variant is too frequent to cause the disease. Based on the score and internal cut-off values, a variant classified as likely benign is not then subjected to further curation. The score for this variant resulted in a classification of likely benign for this disease.

Breakthrough Genomics
Classification: Likely benign. Review status: criteria provided, single submitter. Criteria: ACMG Guidelines, 2015. Collection method: not provided. Allele origin: germline. Inheritance: Unknown mechanism. Affected: yes.